The following is an entry in ClinVar:

NM_024675.4(PALB2):c.466_467del (p.Ile156fs)

Gene: PALB2 (partner and localizer of BRCA2; minus strand). Cytogenetic location: 16p12.2.
Variant type: Deletion.
Coding change: c.466_467del on transcript NM_024675.4 (MANE Select); coding-DNA positions 466 to 467, 2 bases deleted (AT; older notation c.466_467delAT).
Protein change: p.Ile156fs; shifts the reading frame from isoleucine 156.
Molecular consequence: frameshift variant.
Genome position (GRCh38, 1-based): chr16:23,636,079-23,636,080, AT deleted on the plus strand (AT on the coding strand, the reverse complement: PALB2 is on the minus strand); deleting any 2 consecutive bases within chr16:23,636,079-23,636,081 gives the same sequence; the c. name uses the placement nearest the transcript's 3' end. VCF-style (leftmost placement, unchanged base first): chr16-23636078-AAT-A. GRCh37 (hg19) VCF-style: chr16-23647399-AAT-A.
Other names: c.466_467delAT (NM_024675.3); short protein forms I156fs.
Identifiers: ClinVar variation 231854 (VCV000231854.56), dbSNP rs876659405, ClinGen allele CA10580042.

ClinVar aggregate classification (germline): Pathogenic/Likely pathogenic. Review status: criteria provided, multiple submitters, no conflicts (2 of 4 stars). 6 submissions from 6 submitters: Pathogenic (3); Likely pathogenic (3). Last evaluated 2025-09-21.

Conditions:
Hereditary cancer-predisposing syndrome. Also called: Neoplastic Syndromes, Hereditary; Hereditary Cancer Syndrome; Tumor predisposition; Hereditary neoplastic syndrome. Identifiers: Orphanet 140162, MedGen C0027672, MeSH D009386, MONDO:0015356.
Familial cancer of breast. Also called: Hereditary breast cancer; hereditary breast carcinoma; BREAST CANCER, FAMILIAL. Identifiers: Orphanet 227535, MedGen C0346153, MONDO:0016419, OMIM 114480. Disease mechanism: loss of function.

Submissions (6):

Labcorp Genetics (formerly Invitae), Labcorp
Classification: Pathogenic for Familial cancer of breast. Last evaluated: 2025-09-21. Review status: criteria provided, single submitter. Criteria: Invitae Variant Classification Sherloc (09022015). Collection method: clinical testing. Allele origin: germline.
Comment: This sequence change creates a premature translational stop signal (p.Ile156Phefs*11) in the PALB2 gene. It is expected to result in an absent or disrupted protein product. Loss-of-function variants in PALB2 are known to be pathogenic (PMID: 17200668, 17200671, 17200672, 24136930, 25099575). This variant is not present in population databases (gnomAD no frequency). This variant has not been reported in the literature in individuals affected with PALB2-related conditions. ClinVar contains an entry for this variant (Variation ID: 231854). For these reasons, this variant has been classified as Pathogenic.

Quest Diagnostics Nichols Institute San Juan Capistrano
Classification: Likely pathogenic. Last evaluated: 2025-06-18. Review status: criteria provided, single submitter. Criteria: Quest Diagnostics criteria. Collection method: clinical testing. Allele origin: unknown.
Comment: The PALB2 c.466_467del (p.Ile156Phefs*11) variant alters the translational reading frame of the PALB2 mRNA and is predicted to cause the premature termination of PALB2 protein synthesis. This variant has not been reported in individuals with PALB2-related conditions in the published literature. This variant has not been reported in large, multi-ethnic general populations (Genome Aggregation Database). Based on the available information, this variant is classified as likely pathogenic.

Ambry Genetics
Classification: Pathogenic for Hereditary cancer-predisposing syndrome. Last evaluated: 2023-12-28. Review status: criteria provided, single submitter. Criteria: Ambry Variant Classification Scheme 2023. Collection method: clinical testing. Allele origin: germline.
Comment: The c.466_467delAT pathogenic mutation, located in coding exon 4 of the PALB2 gene, results from a deletion of two nucleotides at nucleotide positions 466 to 467, causing a translational frameshift with a predicted alternate stop codon (p.I156Ffs*11). This alteration is expected to result in loss of function by premature protein truncation or nonsense-mediated mRNA decay. As such, this alteration is interpreted as a disease-causing mutation.

Myriad Genetics, Inc.
Classification: Pathogenic for Familial cancer of breast. Last evaluated: 2023-09-06. Review status: criteria provided, single submitter. Criteria: Myriad Autosomal Dominant, Autosomal Recessive and X-Linked Classification Criteria (2023). Collection method: clinical testing. Allele origin: unknown.
Comment: This variant is considered pathogenic. This variant creates a frameshift predicted to result in premature protein truncation.

Genetic Services Laboratory, University of Chicago
Classification: Likely pathogenic. Last evaluated: 2023-06-15. Review status: criteria provided, single submitter. Criteria: ACMG Guidelines, 2015. Collection method: clinical testing. Allele origin: germline. Affected: yes.
Comment: DNA sequence analysis of the PALB2 gene demonstrated a 2 base pair deletion in exon 4, c.466_467del. This pathogenic sequence change results in an amino acid frameshift and creates a premature stop codon 10 amino acids downstream of the change, p.Ile156Phefs*11. This pathogenic sequence change is predicted to result in an abnormal transcript, which may be degraded, or may lead to the production of a truncated PALB2 protein with potentially abnormal function. The c.466_467del sequence change has not been described in population databases such as ExAC and gnomAD. While this sequence change has not previously been described in the literature, other truncating variants in the PALB2 gene have been described in several individuals with PALB2-related cancers (PMID: 17200668, 24136930, 25099575). Collectively, this evidence indicates that this sequence change is likely pathogenic.

CeGaT Center for Human Genetics Tuebingen
Classification: Likely pathogenic. Last evaluated: 2019-10-01. Review status: criteria provided, single submitter. Criteria: CeGaT Center For Human Genetics Tuebingen Variant Classification Criteria Version 2. Collection method: clinical testing. Allele origin: germline. Affected: yes. Observed: 4 variant alleles.

Literature cited by the submitters: PubMed 17200668 (cited by Labcorp Genetics (formerly Invitae), Labcorp); PubMed 17200671 (cited by Labcorp Genetics (formerly Invitae), Labcorp); PubMed 17200672 (cited by Labcorp Genetics (formerly Invitae), Labcorp); PubMed 24136930 (cited by Labcorp Genetics (formerly Invitae), Labcorp); PubMed 25099575 (cited by Labcorp Genetics (formerly Invitae), Labcorp); PubMed 37461096 (cited by Quest Diagnostics Nichols Institute San Juan Capistrano).